The following is an entry in ClinVar:

ClinVar aggregate classification (germline): Uncertain significance (1 of 4 stars; one submission).

Conditions:
FGFR3-related disorder. Also called: FGFR3-related disorders.

gnomAD v4.1: 24 of 1,612,604 alleles (0.0015%); highest among the groups gnomAD compares: Non-Finnish European, 0.0019%; no homozygotes.

Submission:

PreventionGenetics, part of Exact Sciences
Classification: Uncertain significance for FGFR3-related condition. Last evaluated: 2024-12-30. Review status: criteria provided, single submitter. Criteria: ACMG Guidelines, 2015. Collection method: clinical testing. Allele origin: germline.
Comment: The FGFR3 c.148G>T variant is predicted to result in the amino acid substitution p.Val50Phe. To our knowledge, this variant has not been reported in the literature or in a large population database (gnomAD), indicating it is rare. At this time, the clinical significance of this variant is uncertain due to the absence of conclusive functional and genetic evidence.

NM_000142.5(FGFR3):c.148G>T (p.Val50Phe)

Gene: FGFR3 (fibroblast growth factor receptor 3; plus strand). Cytogenetic location: 4p16.3.
Variant type: single nucleotide variant.
Coding change: c.148G>T on transcript NM_000142.5 (MANE Select); coding-DNA position 148, G replaced by T.
Protein change: p.Val50Phe; replaces valine 50 with phenylalanine.
Molecular consequence: missense variant. On other transcripts: non-coding transcript variant (1).
Genome position (GRCh38, 1-based): chr4:1,799,292, G>T. VCF-style: chr4-1799292-G-T. GRCh37 (hg19) VCF-style: chr4-1801019-G-T.
Other names: c.148G>T, p.Val50Phe (NM_001163213.2, NM_001354809.2, NM_001354810.2 and 1 more transcripts); short protein forms V50F.
Identifiers: ClinVar variation 4989768 (VCV004989768.1).